The following is an entry in ClinVar:

ClinVar aggregate classification (germline): Uncertain significance. Review status: criteria provided, multiple submitters, no conflicts (2 of 4 stars). 2 submissions from 2 submitters: Uncertain significance (2). Last evaluated 2024-09-11.

Conditions:
Diamond-Blackfan anemia. Also called: Blackfan Diamond syndrome; Aregenerative anemia chronic congenital; Red cell aplasia, pure hereditary; Congenital hypoplastic anemia; Aase syndrome. Identifiers: Orphanet 124, MedGen C1260899, MeSH D029503, MONDO:0015253, HP:0004810.
Diamond-Blackfan anemia 6 (DBA6). Also called: RPL5-Related Diamond-Blackfan Anemia. Identifiers: Orphanet 124, MedGen C2931850, MONDO:0012937, OMIM 612561.

Allele frequency attached by ClinVar (database versions not stated): gnomAD exomes 0.00002; gnomAD 0.00002; ExAC 0.00005; 1000 Genomes Project 0.00020; TOPMed below 0.00001; 1000 Genomes Project 30x 0.00016.
gnomAD v4.1: 41 of 1,612,426 alleles (0.0025%); highest among the groups gnomAD compares: South Asian, 0.029%; no homozygotes.

Submissions (2):

Labcorp Genetics (formerly Invitae), Labcorp
Classification: Uncertain significance for Diamond-Blackfan anemia. Last evaluated: 2024-09-11. Review status: criteria provided, single submitter. Criteria: Invitae Variant Classification Sherloc (09022015). Collection method: clinical testing. Allele origin: germline.
Comment: This sequence change replaces arginine, which is basic and polar, with tryptophan, which is neutral and slightly polar, at codon 196 of the RPL5 protein (p.Arg196Trp). This variant is present in population databases (rs528939210, gnomAD 0.02%). This variant has not been reported in the literature in individuals affected with RPL5-related conditions. Invitae Evidence Modeling of protein sequence and biophysical properties (such as structural, functional, and spatial information, amino acid conservation, physicochemical variation, residue mobility, and thermodynamic stability) indicates that this missense variant is expected to disrupt RPL5 protein function with a positive predictive value of 80%. In summary, the available evidence is currently insufficient to determine the role of this variant in disease. Therefore, it has been classified as a Variant of Uncertain Significance.

Fulgent Genetics
Classification: Uncertain significance for Diamond-Blackfan anemia 6. Last evaluated: 2024-05-08. Review status: criteria provided, single submitter. Criteria: ACMG Guidelines, 2015. Collection method: clinical testing. Allele origin: germline.

NM_000969.5(RPL5):c.586C>T (p.Arg196Trp)

Genes: DIPK1A (divergent protein kinase domain 1A; minus strand), RPL5 (ribosomal protein L5; plus strand). Cytogenetic location: 1p22.1.
Variant type: single nucleotide variant.
Coding change: c.586C>T on transcript NM_000969.5 (MANE Select); coding-DNA position 586, C replaced by T.
Protein change: p.Arg196Trp; replaces arginine 196 with tryptophan.
Molecular consequence: missense variant. On other transcripts: non-coding transcript variant (1), intron variant (1).
Genome position (GRCh38, 1-based): chr1:92,837,514, C>T. VCF-style: chr1-92837514-C-T. GRCh37 (hg19) VCF-style: chr1-93303071-C-T.
Other names: c.475-4480G>A (NM_001252273.2); short protein forms R196W.
Identifiers: ClinVar variation 2880214 (VCV002880214.4), dbSNP rs528939210, ClinGen allele CA952523.
Genomic context (GRCh38, chr1:92,837,514, plus strand): 5'-AGTACCAAACGATTCCCTGGTTATGATTCTGAAAGCAAGGAATTTAATGCAGAAGTACAT[C>T]GGAAGCACATCATGGGCCAGAATGTTGCAGATTACATGCGCTACTTAATGGAAGAAGATG-3'
Protein context (NP_000960.2, residues 186-206): ESKEFNAEVH[Arg196Trp]KHIMGQNVAD